The following is an entry in ClinVar:

NM_007055.4(POLR3A):c.3515T>C (p.Val1172Ala)

Gene: POLR3A (RNA polymerase III subunit A; minus strand). Cytogenetic location: 10q22.3.
Variant type: single nucleotide variant.
Coding change: c.3515T>C on transcript NM_007055.4 (MANE Select); coding-DNA position 3515, T replaced by C.
Protein change: p.Val1172Ala; replaces valine 1172 with alanine.
Molecular consequence: missense variant.
Genome position (GRCh38, 1-based): chr10:77,982,732, A>G on the plus strand (T>C on the coding strand, the complement: POLR3A is on the minus strand). VCF-style: chr10-77982732-A-G. GRCh37 (hg19) VCF-style: chr10-79742490-A-G.
Other names: short protein forms V1172A.
Identifiers: ClinVar variation 5027158 (VCV005027158.1).

ClinVar aggregate classification (germline): Uncertain significance (1 of 4 stars; one submission).

Conditions:
Inborn genetic diseases. Identifiers: MedGen C0950123, MeSH D030342.

Submission:

Ambry Genetics
Classification: Uncertain significance for Inborn genetic diseases. Last evaluated: 2026-09-01. Review status: criteria provided, single submitter. Criteria: Ambry Variant Classification Scheme 2023. Collection method: clinical testing. Allele origin: germline.
Comment: The c.3515T>C (p.V1172A) alteration is located in exon 27 (coding exon 27) of the POLR3A gene. This alteration results from a T to C substitution at nucleotide position 3515, causing the valine (V) at amino acid position 1172 to be replaced by an alanine (A). Based on data from gnomAD, the C allele has an overall frequency of <0.001% (1/251434) total alleles studied. The highest observed frequency was 0.001% (1/113720) of European (non-Finnish) alleles. Based on insufficient or conflicting evidence, the clinical significance of this alteration remains unclear.